The following is an entry in ClinVar:

ClinVar aggregate classification (germline): Uncertain significance. Review status: criteria provided, multiple submitters, no conflicts (2 of 4 stars). 2 submissions from 2 submitters: Uncertain significance (2). Last evaluated 2024-04-01.

Conditions:
Retinal cone dystrophy 4 (RCD4). Identifiers: Orphanet 1872, MedGen C1864849, MONDO:0012507, OMIM 610478.

Allele frequency attached by ClinVar (database versions not stated): gnomAD 0.00001; TOPMed 0.00001; gnomAD exomes 0.00003 and 0.00004; ExAC 0.00004.
gnomAD v4.1: 40 of 1,558,480 alleles (0.0026%); highest among the groups gnomAD compares: East Asian, 0.094%; no homozygotes.

Submissions (2):

Labcorp Genetics (formerly Invitae), Labcorp
Classification: Uncertain significance. Last evaluated: 2024-04-01. Review status: criteria provided, single submitter. Criteria: Invitae Variant Classification Sherloc (09022015). Collection method: clinical testing. Allele origin: germline.
Comment: This sequence change falls in intron 26 of the CACNA2D4 gene. It does not directly change the encoded amino acid sequence of the CACNA2D4 protein. It affects a nucleotide within the consensus splice site. This variant is present in population databases (rs754626893, gnomAD 0.06%). This variant has not been reported in the literature in individuals affected with CACNA2D4-related conditions. ClinVar contains an entry for this variant (Variation ID: 882805). Variants that disrupt the consensus splice site are a relatively common cause of aberrant splicing (PMID: 17576681, 9536098). Algorithms developed to predict the effect of sequence changes on RNA splicing suggest that this variant is not likely to affect RNA splicing. In summary, the available evidence is currently insufficient to determine the role of this variant in disease. Therefore, it has been classified as a Variant of Uncertain Significance.

Illumina Laboratory Services, Illumina
Classification: Uncertain significance for Retinal cone dystrophy 4. Last evaluated: 2018-01-13. Review status: criteria provided, single submitter. Criteria: ICSL Variant Classification Criteria 13 December 2019. Collection method: clinical testing. Allele origin: germline.

Literature cited by the submitters: PubMed 17576681 (cited by Labcorp Genetics (formerly Invitae), Labcorp); PubMed 9536098 (cited by Labcorp Genetics (formerly Invitae), Labcorp).

NM_172364.5(CACNA2D4):c.2552-3T>C

Gene: CACNA2D4 (calcium voltage-gated channel auxiliary subunit alpha2delta 4; minus strand). Cytogenetic location: 12p13.33.
Variant type: single nucleotide variant.
Coding change: c.2552-3T>C on transcript NM_172364.5 (MANE Select); 3 bases into the intron before coding-DNA position 2552, T replaced by C.
Molecular consequence: intron variant.
Genome position (GRCh38, 1-based): chr12:1,811,726, A>G on the plus strand (T>C on the coding strand, the complement: CACNA2D4 is on the minus strand). VCF-style: chr12-1811726-A-G. GRCh37 (hg19) VCF-style: chr12-1920892-A-G.
Identifiers: ClinVar variation 882805 (VCV000882805.7), dbSNP rs754626893, ClinGen allele CA6386311.